The following is an entry in ClinVar:

NM_000193.4(SHH):c.349T>G (p.Trp117Gly)

Gene: SHH (sonic hedgehog signaling molecule; minus strand). Cytogenetic location: 7q36.3.
Variant type: single nucleotide variant.
Coding change: c.349T>G on transcript NM_000193.4 (MANE Select); coding-DNA position 349, T replaced by G.
Protein change: p.Trp117Gly; replaces tryptophan 117 with glycine.
Molecular consequence: missense variant. On other transcripts: non-coding transcript variant (2).
Genome position (GRCh38, 1-based): chr7:155,806,509, A>C on the plus strand (T>G on the coding strand, the complement: SHH is on the minus strand). VCF-style: chr7-155806509-A-C. GRCh37 (hg19) VCF-style: chr7-155599203-A-C.
Other names: c.349T>G; c.88T>G, p.Trp30Gly (NM_001310462.2); short protein forms W117G, W30G.
Identifiers: ClinVar variation 8880 (VCV000008880.3), dbSNP rs104894040, ClinGen allele CA340831.

ClinVar aggregate classification (germline): Pathogenic. Review status: no assertion criteria provided (0 of 4 stars). 2 submissions from 2 submitters: Pathogenic (2). Last evaluated 2013-08-29.

Conditions:
Holoprosencephaly 3 (HPE3). Identifiers: Orphanet 2162, MedGen C1840529, MONDO:0007733, OMIM 142945.

Submissions (2):

GeneReviews
Classification: Pathogenic for Holoprosencephaly. Last evaluated: 2013-08-29. Review status: no assertion criteria provided. Collection method: curation. Allele origin: unknown.
ClinVar note: Converted during submission from pathologic to Pathogenic.

OMIM
Classification: Pathogenic for HOLOPROSENCEPHALY 3. Last evaluated: 2005-11-22. Review status: no assertion criteria provided. Collection method: literature only. Allele origin: germline.

Literature cited by the submitters: PubMed 8896572 (cited by OMIM); PubMed 16282375 (cited by OMIM).